The following is an entry in ClinVar:

ClinVar aggregate classification (germline): Uncertain significance. Review status: criteria provided, multiple submitters, no conflicts (2 of 4 stars). 2 submissions from 2 submitters: Uncertain significance (2). Last evaluated 2025-02-19.

Conditions:
Primary ciliary dyskinesia 13. Also called: CILIARY DYSKINESIA, PRIMARY, 13, WITH OR WITHOUT SITUS INVERSUS. Identifiers: Orphanet 244, MedGen C2750790, MONDO:0013174, OMIM 613193.
Primary ciliary dyskinesia. Also called: Ciliary dyskinesia. Identifiers: Orphanet 244, MedGen C0008780, MONDO:0016575, HP:0012265.

Allele frequency attached by ClinVar (database versions not stated): gnomAD 0.00001.
gnomAD v4.1: 1 of 1,613,752 alleles (0.000062%); highest among the groups gnomAD compares: African/African-American, 0.0013%; no homozygotes.

Submissions (2):

Labcorp Genetics (formerly Invitae), Labcorp
Classification: Uncertain significance for Primary ciliary dyskinesia. Last evaluated: 2025-02-19. Review status: criteria provided, single submitter. Criteria: Invitae Variant Classification Sherloc (09022015). Collection method: clinical testing. Allele origin: germline.
Comment: This sequence change replaces valine, which is neutral and non-polar, with alanine, which is neutral and non-polar, at codon 401 of the DNAAF1 protein (p.Val401Ala). This variant is not present in population databases (gnomAD no frequency). This variant has not been reported in the literature in individuals affected with DNAAF1-related conditions. ClinVar contains an entry for this variant (Variation ID: 1704393). An algorithm developed to predict the effect of missense changes on protein structure and function outputs the following: PolyPhen-2: "Benign". The alanine amino acid residue is found in multiple mammalian species, which suggests that this missense change does not adversely affect protein function. In summary, the available evidence is currently insufficient to determine the role of this variant in disease. Therefore, it has been classified as a Variant of Uncertain Significance.

Johns Hopkins Genomics, Johns Hopkins University
Classification: Uncertain significance for Primary ciliary dyskinesia 13. Last evaluated: 2022-08-24. Review status: criteria provided, single submitter. Criteria: ACMG Guidelines, 2015. Collection method: clinical testing. Allele origin: germline.
Comment: This DNAAF1 missense variant is rare (<0.1%) in a large population dataset (gnomAD v3.1.2: 1/152208 total alleles; 0.00066%; no homozygotes). It has not been reported in ClinVar, nor the literature, to our knowledge. Of two bioinformatics tools queried, one predicts that the substitution would be damaging, while the other predicts that it would be tolerated. While the valine residue at this position is evolutionarily conserved across many of the species assessed, alanine is present at this position in multiple species. We consider the clinical significance of c.1202T>C in DNAAF1 to be uncertain at this time.

NM_178452.6(DNAAF1):c.1202T>C (p.Val401Ala)

Gene: DNAAF1 (dynein axonemal assembly factor 1; plus strand). Cytogenetic location: 16q24.1.
Variant type: single nucleotide variant.
Coding change: c.1202T>C on transcript NM_178452.6 (MANE Select); coding-DNA position 1202, T replaced by C.
Protein change: p.Val401Ala; replaces valine 401 with alanine.
Molecular consequence: missense variant.
Genome position (GRCh38, 1-based): chr16:84,170,030, T>C. VCF-style: chr16-84170030-T-C. GRCh37 (hg19) VCF-style: chr16-84203636-T-C.
Other names: c.494T>C, p.Val165Ala (NM_001318756.1); short protein forms V165A, V401A.
Identifiers: ClinVar variation 1704393 (VCV001704393.3), dbSNP rs2088240509, ClinGen allele CA396947866.
Genomic context (GRCh38, chr16:84,170,030, plus strand): 5'-AAAGCTTTGAGGCCAAGGACGAGCTCTGCCCGGAAAAGCCAAGTGGAGAGGAGCCGCCTG[T>C]GGAGGCTAAAAGAGAGGATGGAGGTCCAGAGCCAGAGGGGACCCTCCCAGCTGAGACCCT-3'
Protein context (NP_848547.4, residues 391-411): PEKPSGEEPP[Val401Ala]EAKREDGGPE